The following is an entry in ClinVar:

NM_019066.5(MAGEL2):c.1858C>T (p.Gln620Ter)

Gene: MAGEL2 (MAGE family member L2; minus strand). Cytogenetic location: 15q11.2.
Variant type: single nucleotide variant.
Coding change: c.1858C>T on transcript NM_019066.5 (MANE Select); coding-DNA position 1858, C replaced by T.
Protein change: p.Gln620Ter; replaces glutamine 620 with a stop codon.
Molecular consequence: nonsense.
Genome position (GRCh38, 1-based): chr15:23,645,885, G>A on the plus strand (C>T on the coding strand, the complement: MAGEL2 is on the minus strand). VCF-style: chr15-23645885-G-A. GRCh37 (hg19) VCF-style: chr15-23891032-G-A.
Other names: short protein forms Q620*.
Identifiers: ClinVar variation 4859478 (VCV004859478.1).

ClinVar aggregate classification (germline): Likely pathogenic (1 of 4 stars; one submission).

Conditions:
Inborn genetic diseases. Identifiers: MedGen C0950123, MeSH D030342.

Submission:

Ambry Genetics
Classification: Likely pathogenic for Inborn genetic diseases. Last evaluated: 2026-03-19. Review status: criteria provided, single submitter. Criteria: Ambry Variant Classification Scheme 2023. Collection method: clinical testing. Allele origin: germline.
Comment: The c.1858C>T (p.Q620*) alteration, located in exon 1 (coding exon 1) of the MAGEL2 gene, consists of a C to T substitution at nucleotide position 1858. This changes the amino acid from a glutamine (Q) to a stop codon at amino acid position 620. However, because MAGEL2 is a single-exon gene this alteration is not expected to trigger nonsense-mediated mRNA decay and an altered protein could still be expressed (Maquat, 2004). This variant was not reported in population-based cohorts in the Genome Aggregation Database (gnomAD). This variant is located in a region of the protein where truncating variants that escape nonsense mediated mRNA decay have been reported as disease-causing for Schaaf-Yang syndrome (McCarthy 2018; Heimdorfer 2024). Based on the available evidence, this alteration is classified as likely pathogenic.

Literature cited by the submitters: PubMed 30302899; PubMed 38908375.